The following is an entry in ClinVar:

NM_001271.4(CHD2):c.4741C>G (p.Pro1581Ala)

Gene: CHD2 (chromodomain helicase DNA binding protein 2; plus strand). Cytogenetic location: 15q26.1.
Variant type: single nucleotide variant.
Coding change: c.4741C>G on transcript NM_001271.4 (MANE Select); coding-DNA position 4741, C replaced by G.
Protein change: p.Pro1581Ala; replaces proline 1581 with alanine.
Molecular consequence: missense variant.
Genome position (GRCh38, 1-based): chr15:93,014,744, C>G. VCF-style: chr15-93014744-C-G. GRCh37 (hg19) VCF-style: chr15-93557974-C-G.
Other names: short protein forms P1581A.
Identifiers: ClinVar variation 4802450 (VCV004802450.1).

ClinVar aggregate classification (germline): Uncertain significance (1 of 4 stars; one submission).

Conditions:
Developmental and epileptic encephalopathy 94 (DEE94). Also called: Epileptic encephalopathy, childhood-onset; CHD2-Related Neurodevelopmental Disorders. Identifiers: Orphanet 1942, Orphanet 2382, MedGen C3809278, MONDO:0014150, OMIM 615369.

gnomAD v4.1: 4 of 1,614,034 alleles (0.00025%); highest among the groups gnomAD compares: East Asian, 0.0067%; no homozygotes.

Submission:

Labcorp Genetics (formerly Invitae), Labcorp
Classification: Uncertain significance for Developmental and epileptic encephalopathy 94. Last evaluated: 2025-11-24. Review status: criteria provided, single submitter. Criteria: Invitae Variant Classification Sherloc (09022015). Collection method: clinical testing. Allele origin: germline.
Comment: This sequence change replaces proline, which is neutral and non-polar, with alanine, which is neutral and non-polar, at codon 1581 of the CHD2 protein (p.Pro1581Ala). This variant is not present in population databases (gnomAD no frequency). This variant has not been reported in the literature in individuals affected with CHD2-related conditions. Invitae Evidence Modeling of protein sequence and biophysical properties (such as structural, functional, and spatial information, amino acid conservation, physicochemical variation, residue mobility, and thermodynamic stability) indicates that this missense variant is not expected to disrupt CHD2 protein function with a negative predictive value of 95%. In summary, the available evidence is currently insufficient to determine the role of this variant in disease. Therefore, it has been classified as a Variant of Uncertain Significance.